The following is an entry in ClinVar:

ClinVar aggregate classification (germline): Likely benign. Review status: criteria provided, multiple submitters, no conflicts (2 of 4 stars). 3 submissions from 3 submitters: Likely benign (2). 1 of the submissions does not count toward it. Last evaluated 2025-01-24.

Conditions:
MAGEC1-related condition.
Decreased total neutrophil count. Also called: Neutropenia. Identifiers: MedGen C0853697, MONDO:0001475, HP:0001875.
Decreased total lymphocyte count. Also called: Lymphopenia. Identifiers: MedGen C0024312, MONDO:0003783, HP:0001888.

Allele frequency attached by ClinVar (database versions not stated): 1000 Genomes Project 30x 0.00062; 1000 Genomes Project 0.00079; TOPMed 0.00263; ExAC 0.00290; gnomAD 0.00317 and 0.00322; gnomAD exomes 0.00334 and 0.00404; ESP Exome Variant Server 0.00379.

Submissions (3):

PreventionGenetics, part of Exact Sciences
Classification: Likely benign for MAGEC1-related condition. Last evaluated: 2025-01-24. Review status: criteria provided, single submitter. Criteria: ACMG Guidelines, 2015. Collection method: clinical testing. Allele origin: germline.
Comment: This variant is classified as likely benign based on ACMG/AMP sequence variant interpretation guidelines (Richards et al. 2015 PMID: 25741868, with internal and published modifications).

Breakthrough Genomics
Classification: Likely benign. Review status: criteria provided, single submitter. Criteria: ACMG Guidelines, 2015. Collection method: not provided. Allele origin: germline. Inheritance: Unknown mechanism. Affected: yes.

Department of Biosciences, University of Milan
Classification: Likely benign for Decreased total neutrophil count; Decreased total lymphocyte count. Review status: no assertion criteria provided. Collection method: research. Allele origin: maternal. Affected: yes. Not counted in ClinVar's aggregate classification.

NM_005462.5(MAGEC1):c.2T>C (p.Met1Thr)

Genes: MAGEC1 (MAGE family member C1; plus strand), LOC126863334 (MED14-independent group 3 enhancer GRCh37_chrX:140991796-140992995; plus strand). Cytogenetic location: Xq27.2.
Variant type: single nucleotide variant.
Coding change: c.2T>C on transcript NM_005462.5 (MANE Select); coding-DNA position 2, T replaced by C.
Protein change: p.Met1Thr; changes the start codon (methionine 1).
Molecular consequence: missense variant, initiator codon variant.
Genome position (GRCh38, 1-based): chrX:141,905,074, T>C. VCF-style: chrX-141905074-T-C. GRCh37 (hg19) VCF-style: chrX-140992860-T-C.
Other names: c.2T>C (NM_005462.4); short protein forms M1T.
Identifiers: ClinVar variation 1679865 (VCV001679865.4), dbSNP rs113574601, ClinGen allele CA10532971.